The following is an entry in ClinVar:

ClinVar aggregate classification (germline): Uncertain significance (1 of 4 stars; one submission).

Conditions:
COL11A2-related disorder. Also called: COL11A2-related condition; COL11A2-related disorders.

Submission:

PreventionGenetics, part of Exact Sciences
Classification: Uncertain significance for COL11A2-related condition. Last evaluated: 2025-04-17. Review status: criteria provided, single submitter. Criteria: ACMG Guidelines, 2015. Collection method: clinical testing. Allele origin: germline.
Comment: The COL11A2 c.4392+6T>G variant is predicted to interfere with splicing. This variant is predicted to impact splicing based on available splicing prediction programs (SpliceAI, Jaganathan et al. 2019. PubMed ID: 30661751). To our knowledge, this variant has not been reported in the literature or in a large population database (gnomAD), indicating this variant is rare. At this time, the clinical significance of this variant is uncertain due to the absence of conclusive functional and genetic evidence.

NM_080680.3(COL11A2):c.4392+6T>G

Gene: COL11A2 (collagen type XI alpha 2 chain; minus strand). Cytogenetic location: 6p21.32.
Variant type: single nucleotide variant.
Coding change: c.4392+6T>G on transcript NM_080680.3 (MANE Select); 6 bases into the intron after coding-DNA position 4392, T replaced by G.
Molecular consequence: intron variant.
Genome position (GRCh38, 1-based): chr6:33,166,507, A>C on the plus strand (T>G on the coding strand, the complement: COL11A2 is on the minus strand). VCF-style: chr6-33166507-A-C. GRCh37 (hg19) VCF-style: chr6-33134284-A-C.
Other names: c.3366+6T>G (NM_001424111.1, NM_001424110.1); c.4071+6T>G (NM_080679.3); c.4134+6T>G (NM_080681.3); c.4212+6T>G (NM_001424108.1); c.3546+6T>G (NM_001424109.1); c.2346+6T>G (NM_001424112.1).
Identifiers: ClinVar variation 4998369 (VCV004998369.1).